The following is an entry in ClinVar:

NM_006295.3(VARS1):c.2758G>A (p.Asp920Asn)

Gene: VARS1 (valyl-tRNA synthetase 1; minus strand). Cytogenetic location: 6p21.33.
Variant type: single nucleotide variant.
Coding change: c.2758G>A on transcript NM_006295.3 (MANE Select); coding-DNA position 2758, G replaced by A.
Protein change: p.Asp920Asn; replaces aspartic acid 920 with asparagine.
Molecular consequence: missense variant.
Genome position (GRCh38, 1-based): chr6:31,780,744, C>T on the plus strand (G>A on the coding strand, the complement: VARS1 is on the minus strand). VCF-style: chr6-31780744-C-T. GRCh37 (hg19) VCF-style: chr6-31748521-C-T.
Other names: short protein forms D920N.
Identifiers: ClinVar variation 2662032 (VCV002662032.1), dbSNP rs370606971, ClinGen allele CA3722858.

ClinVar aggregate classification (germline): Uncertain significance (1 of 4 stars; one submission).

Allele frequency attached by ClinVar (database versions not stated): ExAC 0.00001; gnomAD 0.00001; TOPMed 0.00002; ESP Exome Variant Server 0.00008.
gnomAD v4.1: 22 of 1,614,054 alleles (0.0014%); highest among the groups gnomAD compares: African/African-American, 0.0027%; no homozygotes.

Submission:

GeneDx
Classification: Uncertain significance. Last evaluated: 2023-04-11. Review status: criteria provided, single submitter. Criteria: GeneDx Variant Classification Process June 2021. Collection method: clinical testing. Allele origin: germline. Affected: yes.
Comment: In silico analysis supports that this missense variant has a deleterious effect on protein structure/function; Has not been previously published as pathogenic or benign to our knowledge